The following is an entry in ClinVar:

NM_002485.5(NBN):c.767A>G (p.Asn256Ser)

Gene: NBN (nibrin; minus strand). Cytogenetic location: 8q21.3.
Variant type: single nucleotide variant.
Coding change: c.767A>G on transcript NM_002485.5 (MANE Select); coding-DNA position 767, A replaced by G.
Protein change: p.Asn256Ser; replaces asparagine 256 with serine.
Molecular consequence: missense variant.
Genome position (GRCh38, 1-based): chr8:89,970,493, T>C on the plus strand (A>G on the coding strand, the complement: NBN is on the minus strand). VCF-style: chr8-89970493-T-C. GRCh37 (hg19) VCF-style: chr8-90982721-T-C.
Other names: c.521A>G, p.Asn174Ser (NM_001024688.3); short protein forms N256S, N174S.
Identifiers: ClinVar variation 461580 (VCV000461580.17), dbSNP rs1554563994, ClinGen allele CA371658719.

ClinVar aggregate classification (germline): Uncertain significance. Review status: criteria provided, multiple submitters, no conflicts (2 of 4 stars). 4 submissions from 4 submitters: Uncertain significance (4). Last evaluated 2025-05-08.

Conditions:
Hereditary cancer-predisposing syndrome. Also called: Hereditary neoplastic syndrome; Neoplastic Syndromes, Hereditary; Tumor predisposition; Hereditary Cancer Syndrome. Identifiers: Orphanet 140162, MedGen C0027672, MeSH D009386, MONDO:0015356.
Microcephaly, normal intelligence and immunodeficiency (NBS). Also called: IMMUNODEFICIENCY, MICROCEPHALY, AND CHROMOSOMAL INSTABILITY; SEEMANOVA SYNDROME II; Nijmegen breakage syndrome; Microcephaly with normal intelligence immunodeficiency and lymphoreticular malignancies; Nonsyndromal microcephaly autosomal recessive with normal intelligence; Seemanova syndrome 2. Identifiers: Orphanet 647, MedGen C0398791, MONDO:0009623, OMIM 251260.

Allele frequency attached by ClinVar (database versions not stated): gnomAD exomes below 0.00001; TOPMed below 0.00001.
gnomAD v4.1: 1 of 1,613,802 alleles (0.000062%); highest among the groups gnomAD compares: Non-Finnish European, 0.000085%; no homozygotes.

Submissions (4):

Ambry Genetics
Classification: Uncertain significance for Hereditary cancer-predisposing syndrome. Last evaluated: 2025-05-08. Review status: criteria provided, single submitter. Criteria: Ambry Variant Classification Scheme 2023. Collection method: clinical testing. Allele origin: germline.
Comment: The p.N256S variant (also known as c.767A>G), located in coding exon 7 of the NBN gene, results from an A to G substitution at nucleotide position 767. The asparagine at codon 256 is replaced by serine, an amino acid with highly similar properties. This amino acid position is poorly conserved in available vertebrate species. In addition, this alteration is predicted to be tolerated by in silico analysis. Since supporting evidence is limited at this time, the clinical significance of this alteration remains unclear.

Labcorp Genetics (formerly Invitae), Labcorp
Classification: Uncertain significance for Microcephaly, normal intelligence and immunodeficiency. Last evaluated: 2023-12-11. Review status: criteria provided, single submitter. Criteria: Invitae Variant Classification Sherloc (09022015). Collection method: clinical testing. Allele origin: germline.
Comment: This sequence change replaces asparagine, which is neutral and polar, with serine, which is neutral and polar, at codon 256 of the NBN protein (p.Asn256Ser). This variant is not present in population databases (gnomAD no frequency). This missense change has been observed in individual(s) with ovarian gynandroblastoma (PMID: 34169133). ClinVar contains an entry for this variant (Variation ID: 461580). Algorithms developed to predict the effect of missense changes on protein structure and function output the following: SIFT: "Not Available"; PolyPhen-2: "Benign"; Align-GVGD: "Not Available". The serine amino acid residue is found in multiple mammalian species, which suggests that this missense change does not adversely affect protein function. In summary, the available evidence is currently insufficient to determine the role of this variant in disease. Therefore, it has been classified as a Variant of Uncertain Significance.

Genome-Nilou Lab
Classification: Uncertain significance for Microcephaly, normal intelligence and immunodeficiency. Last evaluated: 2021-11-07. Review status: criteria provided, single submitter. Criteria: ACMG Guidelines, 2015. Collection method: clinical testing. Allele origin: germline. Affected: no.

Sema4
Classification: Uncertain significance for Hereditary cancer-predisposing syndrome. Last evaluated: 2021-09-13. Review status: criteria provided, single submitter. Criteria: Sema4 Curation Guidelines. Collection method: curation. Allele origin: germline.
Comment: The NBN c.767A>G (p.N256S) variant has been reported in an individual diagnosed with an ovarian gynandroblastoma, however this individual also carried a pathogenic DICER1 variant which is likely the cause of disease (PMID: 34169133). It was not observed in the large and broad cohorts of the Genome Aggregation Database (PMID: 32461654). The variant has been reported in ClinVar (Variation ID: 461580). In silico tools suggest the impact of the variant on protein function is benign, though these predictions have not been confirmed by functional studies. The evidence is insufficient to meet ACMG/AMP criteria for classifying the variant as benign or pathogenic. Thus, the clinical significance of this variant is currently uncertain.

Literature cited by the submitters: PubMed 34169133 (cited by Labcorp Genetics (formerly Invitae), Labcorp and Sema4).